The following is an entry in ClinVar:

NM_002227.4(JAK1):c.2679G>T (p.Arg893Ser)

Gene: JAK1 (Janus kinase 1; minus strand). Cytogenetic location: 1p31.3.
Variant type: single nucleotide variant.
Coding change: c.2679G>T on transcript NM_002227.4 (MANE Select); coding-DNA position 2679, G replaced by T.
Protein change: p.Arg893Ser; replaces arginine 893 with serine.
Molecular consequence: missense variant.
Genome position (GRCh38, 1-based): chr1:64,839,766, C>A on the plus strand (G>T on the coding strand, the complement: JAK1 is on the minus strand). VCF-style: chr1-64839766-C-A. GRCh37 (hg19) VCF-style: chr1-65305449-C-A.
Other names: c.2679G>T, p.Arg893Ser (NM_001320923.2, NM_001321852.2, NM_001321853.2 and 3 more transcripts); c.2676G>T, p.Arg892Ser (NM_001321857.2); short protein forms R893S, R892S.
Identifiers: ClinVar variation 2967840 (VCV002967840.3), dbSNP rs778030565, ClinGen allele CA892597.

ClinVar aggregate classification (germline): Uncertain significance (1 of 4 stars; one submission).

Allele frequency attached by ClinVar (database versions not stated): ExAC 0.00002; TOPMed 0.00002; gnomAD 0.00003.
gnomAD v4.1: 10 of 1,612,172 alleles (0.00062%); highest among the groups gnomAD compares: African/African-American, 0.0094%; no homozygotes.

Submission:

Labcorp Genetics (formerly Invitae), Labcorp
Classification: Uncertain significance. Last evaluated: 2024-01-18. Review status: criteria provided, single submitter. Criteria: Invitae Variant Classification Sherloc (09022015). Collection method: clinical testing. Allele origin: germline.
Comment: This sequence change replaces arginine, which is basic and polar, with serine, which is neutral and polar, at codon 893 of the JAK1 protein (p.Arg893Ser). This variant is present in population databases (rs778030565, gnomAD 0.01%). This variant has not been reported in the literature in individuals affected with JAK1-related conditions. Advanced modeling of protein sequence and biophysical properties (such as structural, functional, and spatial information, amino acid conservation, physicochemical variation, residue mobility, and thermodynamic stability) performed at Invitae indicates that this missense variant is not expected to disrupt JAK1 protein function with a negative predictive value of 80%. In summary, the available evidence is currently insufficient to determine the role of this variant in disease. Therefore, it has been classified as a Variant of Uncertain Significance.